The following is an entry in ClinVar:

NM_000535.7(PMS2):c.874A>G (p.Ile292Val)

Gene: PMS2 (PMS1 homolog 2, mismatch repair system component; minus strand). Cytogenetic location: 7p22.1.
Variant type: single nucleotide variant.
Coding change: c.874A>G on transcript NM_000535.7 (MANE Select); coding-DNA position 874, A replaced by G.
Protein change: p.Ile292Val; replaces isoleucine 292 with valine.
Molecular consequence: missense variant. On other transcripts: 5 prime UTR variant (2), non-coding transcript variant (1).
Genome position (GRCh38, 1-based): chr7:5,995,563, T>C on the plus strand (A>G on the coding strand, the complement: PMS2 is on the minus strand). VCF-style: chr7-5995563-T-C. GRCh37 (hg19) VCF-style: chr7-6035194-T-C.
Other names: c.469A>G, p.Ile157Val (NM_001322003.2, NM_001322004.2, NM_001322005.2 and 2 more transcripts); c.874A>G, p.Ile292Val (NM_001322006.2, NM_001322014.2); c.556A>G, p.Ile186Val (NM_001322007.2, NM_001322008.2); c.-60A>G (NM_001322011.2, NM_001322012.2); c.301A>G, p.Ile101Val (NM_001322013.2); c.565A>G, p.Ile189Val (NM_001322015.2); short protein forms I292V, I186V, I101V, I157V, I189V.
Identifiers: ClinVar variation 1370260 (VCV001370260.8), dbSNP rs587781281, ClinGen allele CA366743447.

ClinVar aggregate classification (germline): Uncertain significance (1 of 4 stars; one submission).

Conditions:
Hereditary nonpolyposis colorectal neoplasms. Identifiers: MedGen C0009405, MeSH D003123.

Submission:

Labcorp Genetics (formerly Invitae), Labcorp
Classification: Uncertain significance for Hereditary nonpolyposis colorectal neoplasms. Last evaluated: 2021-07-27. Review status: criteria provided, single submitter. Criteria: Invitae Variant Classification Sherloc (09022015). Collection method: clinical testing. Allele origin: germline.
Comment: In summary, the available evidence is currently insufficient to determine the role of this variant in disease. Therefore, it has been classified as a Variant of Uncertain Significance. Advanced modeling of protein sequence and biophysical properties (such as structural, functional, and spatial information, amino acid conservation, physicochemical variation, residue mobility, and thermodynamic stability) performed at Invitae indicates that this missense variant is not expected to disrupt PMS2 protein function. This variant has not been reported in the literature in individuals affected with PMS2-related conditions. This variant is not present in population databases (ExAC no frequency). This sequence change replaces isoleucine with valine at codon 292 of the PMS2 protein (p.Ile292Val). The isoleucine residue is highly conserved and there is a small physicochemical difference between isoleucine and valine.